The following is an entry in ClinVar:

NM_001042492.3(NF1):c.1594del (p.Leu532fs)

Gene: NF1 (neurofibromin 1; plus strand). Cytogenetic location: 17q11.2.
Variant type: Deletion.
Coding change: c.1594del on transcript NM_001042492.3 (MANE Select); coding-DNA position 1594, one base deleted (C; older notation c.1594delC).
Protein change: p.Leu532fs; shifts the reading frame from leucine 532.
Molecular consequence: frameshift variant.
Genome position (GRCh38, 1-based): chr17:31,219,071, C deleted. VCF-style (leftmost placement, unchanged base first): chr17-31219070-AC-A. GRCh37 (hg19) VCF-style: chr17-29546088-AC-A.
Other names: c.1594del, p.Leu532fs (NM_001128147.3, NM_000267.4); short protein forms L532fs.
Identifiers: ClinVar variation 5025644 (VCV005025644.1).

ClinVar aggregate classification (germline): Pathogenic (1 of 4 stars; one submission).

Conditions:
Cardiovascular phenotype. Identifiers: MedGen CN230736.
Hereditary cancer-predisposing syndrome. Also called: Neoplastic Syndromes, Hereditary; Tumor predisposition; Hereditary neoplastic syndrome; Hereditary Cancer Syndrome. Identifiers: Orphanet 140162, MedGen C0027672, MeSH D009386, MONDO:0015356.

Submission:

Ambry Genetics
Classification: Pathogenic for Cardiovascular phenotype; Hereditary cancer-predisposing syndrome. Last evaluated: 2026-09-02. Review status: criteria provided, single submitter. Criteria: Ambry Variant Classification Scheme 2023. Collection method: clinical testing. Allele origin: germline.
Comment: The c.1594delC pathogenic mutation, located in coding exon 14 of the NF1 gene, results from a deletion of one nucleotide at nucleotide position 1594, causing a translational frameshift with a predicted alternate stop codon (p.L532Wfs*24). This variant is considered to be rare based on population cohorts in the Genome Aggregation Database (gnomAD). This alteration is expected to result in loss of function by premature protein truncation or nonsense-mediated mRNA decay. As such, this alteration is interpreted as a disease-causing mutation.